The following is an entry in ClinVar:

NM_014611.3(MDN1):c.1476A>G (p.Leu492=)

Gene: MDN1 (midasin AAA ATPase 1; minus strand). Cytogenetic location: 6q15.
Variant type: single nucleotide variant.
Coding change: c.1476A>G on transcript NM_014611.3 (MANE Select); coding-DNA position 1476, A replaced by G.
Protein change: p.Leu492=; no amino-acid change (leucine 492 retained).
Molecular consequence: synonymous variant.
Genome position (GRCh38, 1-based): chr6:89,781,566, T>C on the plus strand (A>G on the coding strand, the complement: MDN1 is on the minus strand). VCF-style: chr6-89781566-T-C. GRCh37 (hg19) VCF-style: chr6-90491285-T-C.
Identifiers: ClinVar variation 3042862 (VCV003042862.2), dbSNP rs116599708, ClinGen allele CA3925970.

ClinVar aggregate classification (germline): Benign (0 of 4 stars; one submission).

Conditions:
MDN1-related disorder. Also called: MDN1-related condition.

Allele frequency attached by ClinVar (database versions not stated): gnomAD exomes 0.00030; ExAC 0.00093; ESP Exome Variant Server 0.00238; 1000 Genomes Project 0.00280; gnomAD 0.00298; TOPMed 0.00313; 1000 Genomes Project 30x 0.00328.
gnomAD v4.1: 913 of 1,608,130 alleles (0.057%); highest among the groups gnomAD compares: African/African-American, 1%; 6 homozygotes.

Submission:

PreventionGenetics, part of Exact Sciences
Classification: Benign for MDN1-related condition. Last evaluated: 2019-06-19. Review status: no assertion criteria provided. Collection method: clinical testing. Allele origin: germline.
Comment: This variant is classified as benign based on ACMG/AMP sequence variant interpretation guidelines (Richards et al. 2015 PMID: 25741868, with internal and published modifications).